The following is an entry in ClinVar:

ClinVar aggregate classification (germline): Likely benign. Review status: criteria provided, multiple submitters, no conflicts (2 of 4 stars). 2 submissions from 2 submitters: Likely benign (2). Last evaluated 2025-03-19.

Conditions:
BBS9-related disorder. Also called: BBS9-related condition.
Bardet-Biedl syndrome (BBS). Identifiers: Orphanet 110, MedGen C0752166, MONDO:0015229.

Allele frequency attached by ClinVar (database versions not stated): gnomAD exomes below 0.00001.
gnomAD v4.1: 4 of 1,523,274 alleles (0.00026%); highest among the groups gnomAD compares: Middle Eastern, 0.022%; no homozygotes.

Submissions (2):

PreventionGenetics, part of Exact Sciences
Classification: Likely benign for BBS9-related condition. Last evaluated: 2025-03-19. Review status: criteria provided, single submitter. Criteria: ACMG Guidelines, 2015. Collection method: clinical testing. Allele origin: germline.
Comment: This variant is classified as likely benign based on ACMG/AMP sequence variant interpretation guidelines (Richards et al. 2015 PMID: 25741868, with internal and published modifications).

Labcorp Genetics (formerly Invitae), Labcorp
Classification: Likely benign for Bardet-Biedl syndrome. Last evaluated: 2023-10-17. Review status: criteria provided, single submitter. Criteria: Invitae Variant Classification Sherloc (09022015). Collection method: clinical testing. Allele origin: germline.

NM_198428.3(BBS9):c.702+10T>C

Gene: BBS9 (Bardet-Biedl syndrome 9; plus strand). Cytogenetic location: 7p14.3.
Variant type: single nucleotide variant.
Coding change: c.702+10T>C on transcript NM_198428.3 (MANE Select); 10 bases into the intron after coding-DNA position 702, T replaced by C.
Molecular consequence: intron variant.
Genome position (GRCh38, 1-based): chr7:33,264,384, T>C. VCF-style: chr7-33264384-T-C. GRCh37 (hg19) VCF-style: chr7-33303996-T-C.
Other names: c.702+10T>C (NM_198428.2, NM_001348036.1, NM_001362679.1 and 6 more transcripts); c.429+10T>C (NM_001348038.3, NM_001348039.3); c.336+10T>C (NM_001348037.3, NM_001348045.3, NM_001348046.3 and 1 more transcripts); c.567+10T>C (NM_001348042.3).
Identifiers: ClinVar variation 2752903 (VCV002752903.4), dbSNP rs2535096827, ClinGen allele CA2682341867.